The following is an entry in ClinVar:

ClinVar aggregate classification (germline): Uncertain significance (1 of 4 stars; one submission).

Conditions:
Retinoblastoma (RB1). Also called: RETINOBLASTOMA, SOMATIC. Identifiers: Orphanet 790, MedGen C0035335, MeSH D012175, MONDO:0008380, OMIM 180200, HP:0009919. Disease mechanism: loss of function. Inheritance: Both sporadic and heritable forms are tested..

Allele frequency attached by ClinVar (database versions not stated): gnomAD exomes below 0.00001.

Submission:

Labcorp Genetics (formerly Invitae), Labcorp
Classification: Uncertain significance for Retinoblastoma. Last evaluated: 2020-05-20. Review status: criteria provided, single submitter. Criteria: Invitae Variant Classification Sherloc (09022015). Collection method: clinical testing. Allele origin: germline.
Comment: In summary, the available evidence is currently insufficient to determine the role of this variant in disease. Therefore, it has been classified as a Variant of Uncertain Significance. Algorithms developed to predict the effect of missense changes on protein structure and function are either unavailable or do not agree on the potential impact of this missense change (SIFT: "Tolerated"; PolyPhen-2: "Possibly Damaging"; Align-GVGD: "Class C25"). This variant has not been reported in the literature in individuals with RB1-related conditions. This variant is not present in population databases (ExAC no frequency). This sequence change replaces serine with arginine at codon 866 of the RB1 protein (p.Ser866Arg). The serine residue is moderately conserved and there is a moderate physicochemical difference between serine and arginine.

NM_000321.3(RB1):c.2598C>A (p.Ser866Arg)

Gene: RB1 (RB transcriptional corepressor 1; plus strand). Cytogenetic location: 13q14.2.
Variant type: single nucleotide variant.
Coding change: c.2598C>A on transcript NM_000321.3 (MANE Select); coding-DNA position 2598, C replaced by A.
Protein change: p.Ser866Arg; replaces serine 866 with arginine.
Molecular consequence: missense variant.
Genome position (GRCh38, 1-based): chr13:48,476,778, C>A. VCF-style: chr13-48476778-C-A. GRCh37 (hg19) VCF-style: chr13-49050914-C-A.
Other names: short protein forms S866R.
Identifiers: ClinVar variation 1010518 (VCV001010518.8), dbSNP rs1949506601, ClinGen allele CA388157401.